The following is an entry in ClinVar:

ClinVar aggregate classification (germline): Uncertain significance (1 of 4 stars; one submission).

Submission:

Labcorp Genetics (formerly Invitae), Labcorp
Classification: Uncertain significance. Last evaluated: 2024-08-27. Review status: criteria provided, single submitter. Criteria: Invitae Variant Classification Sherloc (09022015). Collection method: clinical testing. Allele origin: germline.
Comment: This sequence change replaces aspartic acid, which is acidic and polar, with glutamic acid, which is acidic and polar, at codon 826 of the PROM1 protein (p.Asp826Glu). This variant is not present in population databases (gnomAD no frequency). This variant has not been reported in the literature in individuals affected with PROM1-related conditions. Invitae Evidence Modeling of protein sequence and biophysical properties (such as structural, functional, and spatial information, amino acid conservation, physicochemical variation, residue mobility, and thermodynamic stability) indicates that this missense variant is expected to disrupt PROM1 protein function with a positive predictive value of 80%. In summary, the available evidence is currently insufficient to determine the role of this variant in disease. Therefore, it has been classified as a Variant of Uncertain Significance.

NM_006017.3(PROM1):c.2478C>A (p.Asp826Glu)

Gene: PROM1 (prominin 1; minus strand). Cytogenetic location: 4p15.32.
Variant type: single nucleotide variant.
Coding change: c.2478C>A on transcript NM_006017.3 (MANE Select); coding-DNA position 2478, C replaced by A.
Protein change: p.Asp826Glu; replaces aspartic acid 826 with glutamic acid.
Molecular consequence: missense variant.
Genome position (GRCh38, 1-based): chr4:15,980,433, G>T on the plus strand (C>A on the coding strand, the complement: PROM1 is on the minus strand). VCF-style: chr4-15980433-G-T. GRCh37 (hg19) VCF-style: chr4-15982056-G-T.
Other names: c.2451C>A, p.Asp817Glu (NM_001145847.2, NM_001145848.2, NM_001145851.2 and 4 more transcripts); c.2478C>A, p.Asp826Glu (NM_001145849.2, NM_001145850.2); short protein forms D826E, D817E.
Identifiers: ClinVar variation 3645092 (VCV003645092.2).